The following is an entry in ClinVar:

ClinVar aggregate classification (germline): Conflicting classifications of pathogenicity. Review status: criteria provided, conflicting classifications (1 of 4 stars). 3 submissions from 3 submitters: Uncertain significance (2); Likely benign (1). Last evaluated 2023-12-21.

Conditions:
Microcephaly, normal intelligence and immunodeficiency (NBS). Also called: Nijmegen breakage syndrome; Immunodeficiency, microcephaly with normal intelligence; SEEMANOVA SYNDROME II; Microcephaly with normal intelligence immunodeficiency and lymphoreticular malignancies; Nonsyndromal microcephaly autosomal recessive with normal intelligence; Seemanova syndrome 2. Identifiers: Orphanet 647, MedGen C0398791, MONDO:0009623, OMIM 251260.
Hereditary cancer-predisposing syndrome. Also called: Neoplastic Syndromes, Hereditary; Tumor predisposition; Hereditary Cancer Syndrome; Hereditary neoplastic syndrome. Identifiers: Orphanet 140162, MedGen C0027672, MeSH D009386, MONDO:0015356.

Allele frequency attached by ClinVar (database versions not stated): gnomAD 0.00001; TOPMed 0.00002.
gnomAD v4.1: 1 of 1,613,062 alleles (0.000062%); highest among the groups gnomAD compares: Admixed American, 0.0017%; no homozygotes.

Submissions (3):

Ambry Genetics
Classification: Uncertain significance for Hereditary cancer-predisposing syndrome. Last evaluated: 2023-12-21. Review status: criteria provided, single submitter. Criteria: Ambry Variant Classification Scheme 2023. Collection method: clinical testing. Allele origin: germline.
Comment: The p.Q216K variant (also known as c.646C>A), located in coding exon 6 of the NBN gene, results from a C to A substitution at nucleotide position 646. The glutamine at codon 216 is replaced by lysine, an amino acid with similar properties. This amino acid position is not well conserved in available vertebrate species. In addition, this alteration is predicted to be tolerated by in silico analysis. Since supporting evidence is limited at this time, the clinical significance of this alteration remains unclear.

Labcorp Genetics (formerly Invitae), Labcorp
Classification: Likely benign for Microcephaly, normal intelligence and immunodeficiency. Last evaluated: 2023-12-19. Review status: criteria provided, single submitter. Criteria: Invitae Variant Classification Sherloc (09022015). Collection method: clinical testing. Allele origin: germline.

Genome-Nilou Lab
Classification: Uncertain significance for Microcephaly, normal intelligence and immunodeficiency. Last evaluated: 2021-11-07. Review status: criteria provided, single submitter. Criteria: ACMG Guidelines, 2015. Collection method: clinical testing. Allele origin: germline. Affected: no.

NM_002485.5(NBN):c.646C>A (p.Gln216Lys)

Gene: NBN (nibrin; minus strand). Cytogenetic location: 8q21.3.
Variant type: single nucleotide variant.
Coding change: c.646C>A on transcript NM_002485.5 (MANE Select); coding-DNA position 646, C replaced by A.
Protein change: p.Gln216Lys; replaces glutamine 216 with lysine.
Molecular consequence: missense variant.
Genome position (GRCh38, 1-based): chr8:89,971,229, G>T on the plus strand (C>A on the coding strand, the complement: NBN is on the minus strand). VCF-style: chr8-89971229-G-T. GRCh37 (hg19) VCF-style: chr8-90983457-G-T.
Other names: c.400C>A, p.Gln134Lys (NM_001024688.3); short protein forms Q216K, Q134K.
Identifiers: ClinVar variation 568245 (VCV000568245.15), dbSNP rs769416, ClinGen allele CA181276755.
Genomic context (GRCh38, chr8:89,971,229, plus strand): 5'-TTACCTGTTTGGCATTCAAAAATATAAATGTTTTCCCTTTGAAGATTTGTTTTCTTTCCT[G>T]CCGTCCTGACAGATCAACATTTTTACTTCCAATAGATGGTTCATCAAGAGGTGGGTAAAA-3'
Protein context (NP_002476.2, residues 206-226): GSKNVDLSGR[Gln216Lys]ERKQIFKGKT